The following is an entry in ClinVar:

ClinVar aggregate classification (germline): Uncertain significance. Review status: criteria provided, multiple submitters, no conflicts (2 of 4 stars). 2 submissions from 2 submitters: Uncertain significance (2). Last evaluated 2021-10-14.

Allele frequency attached by ClinVar (database versions not stated): TOPMed below 0.00001; gnomAD 0.00001; gnomAD exomes 0.00001 and 0.00002; ExAC 0.00002; ESP Exome Variant Server 0.00008.
gnomAD v4.1: 16 of 1,613,434 alleles (0.00099%); highest among the groups gnomAD compares: Admixed American, 0.0067%; no homozygotes.

Submissions (2):

Labcorp Genetics (formerly Invitae), Labcorp
Classification: Uncertain significance. Last evaluated: 2021-10-14. Review status: criteria provided, single submitter. Criteria: Invitae Variant Classification Sherloc (09022015). Collection method: clinical testing. Allele origin: germline.
Comment: This sequence change replaces glycine with serine at codon 343 of the ARHGEF18 protein (p.Gly343Ser). The glycine residue is highly conserved and there is a small physicochemical difference between glycine and serine. This variant is present in population databases (rs143250565, ExAC 0.009%). This variant has not been reported in the literature in individuals affected with ARHGEF18-related conditions. Algorithms developed to predict the effect of missense changes on protein structure and function (SIFT, PolyPhen-2, Align-GVGD) all suggest that this variant is likely to be disruptive. In summary, the available evidence is currently insufficient to determine the role of this variant in disease. Therefore, it has been classified as a Variant of Uncertain Significance.

Blueprint Genetics
Classification: Uncertain significance. Last evaluated: 2018-11-14. Review status: criteria provided, single submitter. Criteria: ACMG Guidelines, 2015. Collection method: clinical testing. Allele origin: germline.

NM_001367823.1(ARHGEF18):c.1591G>A (p.Gly531Ser)

Gene: ARHGEF18 (Rho/Rac guanine nucleotide exchange factor 18; plus strand). Cytogenetic location: 19p13.2.
Variant type: single nucleotide variant.
Coding change: c.1591G>A on transcript NM_001367823.1 (MANE Select); coding-DNA position 1591, G replaced by A.
Protein change: p.Gly531Ser; replaces glycine 531 with serine.
Molecular consequence: missense variant.
Genome position (GRCh38, 1-based): chr19:7,444,434, G>A. VCF-style: chr19-7444434-G-A. GRCh37 (hg19) VCF-style: chr19-7509320-G-A.
Other names: c.865G>A, p.Gly289Ser (NM_001130955.2); c.553G>A, p.Gly185Ser (NM_001367824.1, NM_015318.4); short protein forms G531S, G289S, G185S.
Identifiers: ClinVar variation 1468203 (VCV001468203.7), dbSNP rs143250565, ClinGen allele CA9136505.